The following is an entry in ClinVar:

NM_000025.3(ADRB3):c.190T>C (p.Trp64Arg)

Gene: ADRB3 (adrenoceptor beta 3; minus strand). Cytogenetic location: 8p11.23.
Variant type: single nucleotide variant.
Coding change: c.190T>C on transcript NM_000025.3 (MANE Select); coding-DNA position 190, T replaced by C.
Protein change: p.Trp64Arg; replaces tryptophan 64 with arginine.
Molecular consequence: missense variant.
Genome position (GRCh38, 1-based): chr8:37,966,280, A>G on the plus strand (T>C on the coding strand, the complement: ADRB3 is on the minus strand). VCF-style: chr8-37966280-A-G. GRCh37 (hg19) VCF-style: chr8-37823798-A-G.
Other names: short protein forms W64R.
Identifiers: ClinVar variation 17741 (VCV000017741.3), dbSNP rs4994, ClinGen allele CA210819.
Genomic context (GRCh38, chr8:37,966,280, plus strand): 5'-GGTCGGCTGCGGCCAGCGAAGTCACGAACACGTTGGTCATGGTCTGGAGTCTCGGAGTCC[A>G]GGCGATGGCCACGATGACCAGCAGGTTGCCTCCCACGGTGGCCAGCACCGCCAGCGCCAG-3'
Protein context (NP_000016.1, residues 54-74): GNLLVIVAIA[Trp64Arg]TPRLQTMTNV

ClinVar aggregate classification (germline): Benign. Review status: criteria provided, multiple submitters, no conflicts (2 of 4 stars). 3 submissions from 3 submitters: Benign (2). 1 of the submissions does not count toward it. Last evaluated 2021-06-09.

Conditions:
Obesity. Also called: Obesity disorder. Identifiers: Orphanet 71529, MedGen C0028754, MeSH D009765, MONDO:0011122, HP:0001513.

Allele frequency attached by ClinVar (database versions not stated): gnomAD 0.09345 and 0.09116; ExAC 0.10568; TOPMed 0.09917; gnomAD exomes 0.10617 and 0.08789; 1000 Genomes Project 0.11502; 1000 Genomes Project 30x 0.11165.

Submissions (3):

GeneDx
Classification: Benign. Last evaluated: 2021-06-09. Review status: criteria provided, single submitter. Criteria: GeneDx Variant Classification Process June 2021. Collection method: clinical testing. Allele origin: germline. Affected: yes.
Comment: This variant is associated with the following publications: (PMID: 9080262, 29670643, 22774474, 11380082, 21529759, 23729572, 21289629, 21358132, 20008926, 20069060, 11564599, 17225053, 19553224, 22550477, 19133996, 21285172, 21034552, 19080138, 7487991, 28456594, 23968135, 20078877, 23032405)

Breakthrough Genomics
Classification: Benign. Review status: criteria provided, single submitter. Criteria: ACMG Guidelines, 2015. Collection method: not provided. Allele origin: germline. Inheritance: Autosomal recessive inheritance. Affected: yes.

OMIM
Classification: risk factor for OBESITY, SUSCEPTIBILITY TO. Last evaluated: 2004-10-01. Review status: no assertion criteria provided. Collection method: literature only. Allele origin: germline. Not counted in ClinVar's aggregate classification.

Literature cited by the submitters: PubMed 7609752 (cited by OMIM); PubMed 8903328 (cited by OMIM); PubMed 7609750 (cited by OMIM); PubMed 8954053 (cited by OMIM); PubMed 9112025 (cited by OMIM); PubMed 9100608 (cited by OMIM); PubMed 9709965 (cited by OMIM); PubMed 9814483 (cited by OMIM); PubMed 9449691 (cited by OMIM); PubMed 9054940 (cited by OMIM); PubMed 10323390 (cited by OMIM); PubMed 9892244 (cited by OMIM); PubMed 10323402 (cited by OMIM); PubMed 10999801 (cited by OMIM); PubMed 11095426 (cited by OMIM); PubMed 15472194 (cited by OMIM).